The following is an entry in ClinVar:

ClinVar aggregate classification (germline): Likely benign. Review status: criteria provided, single submitter (1 of 4 stars). 2 submissions from 2 submitters: Likely benign (1). 1 of the submissions does not count toward it. Last evaluated 2023-06-01.

Conditions:
Lynch syndrome. Identifiers: Orphanet 144, MedGen C4552100, MONDO:0005835. Disease mechanism: loss of function.

Allele frequency attached by ClinVar (database versions not stated): gnomAD exomes below 0.00001 and 0.00001; ExAC 0.00001; TOPMed 0.00002.
gnomAD v4.1: 5 of 1,606,006 alleles (0.00031%); highest among the groups gnomAD compares: Non-Finnish European, 0.00034%; no homozygotes.

Submissions (2):

CeGaT Center for Human Genetics Tuebingen
Classification: Likely benign. Last evaluated: 2023-06-01. Review status: criteria provided, single submitter. Criteria: CeGaT Center For Human Genetics Tuebingen Variant Classification Criteria Version 2. Collection method: clinical testing. Allele origin: germline. Affected: yes. Observed: 1 variant allele.
Comment: EPCAM: BP4, BP7

Labcorp Genetics (formerly Invitae), Labcorp
Classification: Uncertain significance for Lynch syndrome. Last evaluated: 2015-02-18. Review status: no assertion criteria provided. Collection method: clinical testing. Allele origin: germline. Not counted in ClinVar's aggregate classification.

NM_002354.3(EPCAM):c.603A>G (p.Gln201=)

Gene: EPCAM (epithelial cell adhesion molecule; plus strand). Cytogenetic location: 2p21.
Variant type: single nucleotide variant.
Coding change: c.603A>G on transcript NM_002354.3 (MANE Select); coding-DNA position 603, A replaced by G.
Protein change: p.Gln201=; no amino-acid change (glutamine 201 retained).
Molecular consequence: synonymous variant.
Genome position (GRCh38, 1-based): chr2:47,379,000, A>G. VCF-style: chr2-47379000-A-G. GRCh37 (hg19) VCF-style: chr2-47606139-A-G.
Identifiers: ClinVar variation 183066 (VCV000183066.28), dbSNP rs730882126, ClinGen allele CA333775.